The following is an entry in ClinVar:

ClinVar aggregate classification (germline): Conflicting classifications of pathogenicity. Review status: criteria provided, conflicting classifications (1 of 4 stars). 4 submissions from 4 submitters: Uncertain significance (3); Likely benign (1). Last evaluated 2025-08-29.

Conditions:
Hereditary breast ovarian cancer syndrome. Also called: Hereditary breast and ovarian cancer; Hereditary breast and ovarian cancer syndrome (HBOC); Breast and ovarian cancer; Hereditary breast and/or ovarian cancer syndrome; BRCA1- and BRCA2-Associated Hereditary Breast and Ovarian Cancer; Hereditary breast and ovarian cancer syndrome. Identifiers: Orphanet 145, MedGen C0677776, MeSH D061325, MONDO:0003582. Disease mechanism: loss of function.
Hereditary cancer-predisposing syndrome. Also called: Neoplastic Syndromes, Hereditary; Tumor predisposition; Hereditary Cancer Syndrome; Hereditary neoplastic syndrome. Identifiers: Orphanet 140162, MedGen C0027672, MeSH D009386, MONDO:0015356.

Submissions (5):

Quest Diagnostics Nichols Institute San Juan Capistrano
Classification: Uncertain significance. Last evaluated: 2025-08-29. Review status: criteria provided, single submitter. Criteria: Quest Diagnostics criteria. Collection method: clinical testing. Allele origin: unknown.
Comment: The BRCA1 c.209A>G (p.Lys70Arg) variant has been reported in the published literature in a functional study which demonstrated that this variant had an inconclusive effect on protein function, with retained functional activity in a large-scale study using a haploid cell line (PMID: 30209399 (2018)). This variant has not been reported in large, multi-ethnic general populations (Genome Aggregation Database). Analysis of this variant using bioinformatics tools for the prediction of the effect of amino acid changes on protein structure and function yielded conflicting predictions that this variant is benign or damaging. Based on the available information, we are unable to determine the clinical significance of this variant.

Color Diagnostics, LLC DBA Color Health
Classification: Uncertain significance for Hereditary cancer-predisposing syndrome. Last evaluated: 2025-05-27. Review status: criteria provided, single submitter. Criteria: ACMG Guidelines, 2015. Collection method: clinical testing. Allele origin: germline.
Comment: This missense variant replaces lysine with arginine at codon 70 of the BRCA1 protein. Computational prediction is inconclusive regarding the impact of this variant on protein structure and function. A functional study has reported that this variant does not impact BRCA1 function in a haploid cell proliferation assay (PMID: 30209399). To our knowledge, this variant has not been reported in individuals affected with BRCA1-related disorders in the literature. This variant has not been identified in the general population by the Genome Aggregation Database (gnomAD). The available evidence is insufficient to determine the role of this variant in disease conclusively. Therefore, this variant is classified as a Variant of Uncertain Significance.

Ambry Genetics
Classification: Likely benign for Hereditary cancer-predisposing syndrome. Last evaluated: 2025-03-10. Review status: criteria provided, single submitter. Criteria: Ambry Variant Classification Scheme 2023. Collection method: clinical testing. Allele origin: germline.

Labcorp Genetics (formerly Invitae), Labcorp
Classification: Uncertain significance for Hereditary breast ovarian cancer syndrome. Last evaluated: 2022-10-11. Review status: criteria provided, single submitter. Criteria: Invitae Variant Classification Sherloc (09022015). Collection method: clinical testing. Allele origin: germline.
Comment: This variant has not been reported in the literature in individuals affected with BRCA1-related conditions. This sequence change replaces lysine, which is basic and polar, with arginine, which is basic and polar, at codon 70 of the BRCA1 protein (p.Lys70Arg). This variant is not present in population databases (gnomAD no frequency). ClinVar contains an entry for this variant (Variation ID: 868789). Advanced modeling performed at Invitae incorporating data from internal and/or published experimental studies (PMID: 30209399) indicates that this missense variant is not expected to disrupt BRCA1 function. Experimental studies have shown that this missense change does not substantially affect BRCA1 function (PMID: 30209399). In summary, the available evidence is currently insufficient to determine the role of this variant in disease. Therefore, it has been classified as a Variant of Uncertain Significance.

Brotman Baty Institute, University of Washington
No classification provided (evidence only). Condition: Breast-ovarian cancer, familial 1. Review status: no classification provided. Collection method: in vitro. Allele origin: not applicable. Functional consequence: functionally_normal. Not counted in ClinVar's aggregate classification.
ClinVar note: "not provided" was previously submitted as the classification for the variant. However, the classification appeared to be based only on an observation of functional data so it was converted to no classification on 2025-07-30.

Literature cited by the submitters: PubMed 30209399 (cited by 4 submitters).

NM_007294.4(BRCA1):c.209A>G (p.Lys70Arg)

Gene: BRCA1 (BRCA1 DNA repair associated; minus strand). Cytogenetic location: 17q21.31.
Variant type: single nucleotide variant.
Coding change: c.209A>G on transcript NM_007294.4 (MANE Select); coding-DNA position 209, A replaced by G.
Protein change: p.Lys70Arg; replaces lysine 70 with arginine.
Molecular consequence: missense variant.
Genome position (GRCh38, 1-based): chr17:43,106,459, T>C on the plus strand (A>G on the coding strand, the complement: BRCA1 is on the minus strand). VCF-style: chr17-43106459-T-C. GRCh37 (hg19) VCF-style: chr17-41258476-T-C.
Other names: c.209A>G, p.Lys70Arg (NM_001407581.1, NM_001407582.1, NM_001407583.1 and 168 more transcripts); c.68A>G, p.Lys23Arg (NM_001407692.1, NM_001407694.1, NM_001407695.1 and 99 more transcripts); short protein forms K70R, K23R.
Identifiers: ClinVar variation 868789 (VCV000868789.13), dbSNP rs2054770216, ClinGen allele CA10601750.